The following is an entry in ClinVar:

NM_000097.7(CPOX):c.866A>G (p.Asn289Ser)

Gene: CPOX (coproporphyrinogen oxidase; minus strand). Cytogenetic location: 3q11.2.
Variant type: single nucleotide variant.
Coding change: c.866A>G on transcript NM_000097.7 (MANE Select); coding-DNA position 866, A replaced by G.
Protein change: p.Asn289Ser; replaces asparagine 289 with serine.
Molecular consequence: missense variant.
Genome position (GRCh38, 1-based): chr3:98,588,800, T>C on the plus strand (A>G on the coding strand, the complement: CPOX is on the minus strand). VCF-style: chr3-98588800-T-C. GRCh37 (hg19) VCF-style: chr3-98307644-T-C.
Other names: short protein forms N289S.
Identifiers: ClinVar variation 1960770 (VCV001960770.5), dbSNP rs936496857, ClinGen allele CA80083398.

ClinVar aggregate classification (germline): Uncertain significance (1 of 4 stars; one submission).

Allele frequency attached by ClinVar (database versions not stated): gnomAD exomes below 0.00001; TOPMed below 0.00001.
gnomAD v4.1: 1 of 1,614,222 alleles (0.000062%); highest among the groups gnomAD compares: South Asian, 0.0011%; no homozygotes.

Submission:

Labcorp Genetics (formerly Invitae), Labcorp
Classification: Uncertain significance. Last evaluated: 2022-07-19. Review status: criteria provided, single submitter. Criteria: Invitae Variant Classification Sherloc (09022015). Collection method: clinical testing. Allele origin: germline.
Comment: In summary, the available evidence is currently insufficient to determine the role of this variant in disease. Therefore, it has been classified as a Variant of Uncertain Significance. Algorithms developed to predict the effect of missense changes on protein structure and function (SIFT, PolyPhen-2, Align-GVGD) all suggest that this variant is likely to be tolerated. This variant has not been reported in the literature in individuals affected with CPOX-related conditions. This variant is present in population databases (no rsID available, gnomAD 0.003%). This sequence change replaces asparagine, which is neutral and polar, with serine, which is neutral and polar, at codon 289 of the CPOX protein (p.Asn289Ser).